The following is an entry in ClinVar:

ClinVar aggregate classification (germline): Uncertain significance. Review status: criteria provided, multiple submitters, no conflicts (2 of 4 stars). 2 submissions from 2 submitters: Uncertain significance (2). Last evaluated 2021-02-11.

Allele frequency attached by ClinVar (database versions not stated): ExAC 0.00001; gnomAD 0.00001; gnomAD exomes 0.00002; TOPMed 0.00002.
gnomAD v4.1: 36 of 1,613,366 alleles (0.0022%); highest among the groups gnomAD compares: South Asian, 0.0055%; no homozygotes.

Submissions (2):

Blueprint Genetics
Classification: Uncertain significance. Last evaluated: 2021-02-11. Review status: criteria provided, single submitter. Criteria: ACMG Guidelines, 2015. Collection method: clinical testing. Allele origin: germline.

GeneDx
Classification: Uncertain significance. Last evaluated: 2012-12-14. Review status: criteria provided, single submitter. Criteria: GeneDx Variant Classification (06012015). Collection method: clinical testing. Allele origin: germline. Affected: yes.
Comment: p.Gly105Ser (GGC>AGC): c.313 G>A in exon 4 of the CACNB4 gene (NM_000726.2). The Gly105Ser missense change has not been published as a mutation, nor has it been reported as a benign polymorphism to our knowledge. The NHLBI ESP Exome Variant Project has not identified Gly105Ser in approximately 6,500 individuals of European or African American ethnicity, indicating that it is not a common benign variant in these populations. The amino acid substitution is non-conservative, as a non-polar Glycine residue is replaced by a polar Serine residue. It alters a highly conserved position in the protein, and multiple in silico algorithms predict Gly105Ser may be damaging to protein structure/function. Therefore, based on the currently available information, it is unclear whether Gly105Ser is a disease-causing mutation or a rare benign variant. The variant is found in EPILEPSY panel(s).

NM_000726.5(CACNB4):c.313G>A (p.Gly105Ser)

Gene: CACNB4 (calcium voltage-gated channel auxiliary subunit beta 4; minus strand). Cytogenetic location: 2q23.3.
Variant type: single nucleotide variant.
Coding change: c.313G>A on transcript NM_000726.5 (MANE Select); coding-DNA position 313, G replaced by A.
Protein change: p.Gly105Ser; replaces glycine 105 with serine.
Molecular consequence: missense variant. On other transcripts: 5 prime UTR variant (2).
Genome position (GRCh38, 1-based): chr2:151,880,877, C>T on the plus strand (G>A on the coding strand, the complement: CACNB4 is on the minus strand). VCF-style: chr2-151880877-C-T. GRCh37 (hg19) VCF-style: chr2-152737391-C-T.
Other names: p.G105S:GGC>AGC; c.259G>A, p.Gly87Ser (NM_001005746.4, NM_001330113.2); c.211G>A, p.Gly71Ser (NM_001005747.4, NM_001330115.2); c.313G>A, p.Gly105Ser (NM_001145798.3); c.172G>A, p.Gly58Ser (NM_001320722.3, NM_001330116.2, NM_001330118.2); c.-322G>A (NM_001330114.2); c.-246G>A (NM_001330117.2); short protein forms G105S, G71S, G87S, G58S.
Identifiers: ClinVar variation 204925 (VCV000204925.3), dbSNP rs563023146, ClinGen allele CA313378.